The following is an entry in ClinVar:

ClinVar aggregate classification (germline): Uncertain significance (1 of 4 stars; one submission).

Submission:

Labcorp Genetics (formerly Invitae), Labcorp
Classification: Uncertain significance. Last evaluated: 2023-06-27. Review status: criteria provided, single submitter. Criteria: Invitae Variant Classification Sherloc (09022015). Collection method: clinical testing. Allele origin: germline.
Comment: This variant has not been reported in the literature in individuals affected with CNGA3-related conditions. In summary, the available evidence is currently insufficient to determine the role of this variant in disease. Therefore, it has been classified as a Variant of Uncertain Significance. Algorithms developed to predict the effect of sequence changes on RNA splicing suggest that this variant is not likely to affect RNA splicing. This variant is not present in population databases (gnomAD no frequency). This sequence change affects codon 150 of the CNGA3 mRNA. It is a 'silent' change, meaning that it does not change the encoded amino acid sequence of the CNGA3 protein. It affects a nucleotide within the consensus splice site.

NM_001298.3(CNGA3):c.450G>A (p.Glu150=)

Gene: CNGA3 (cyclic nucleotide gated channel subunit alpha 3; plus strand). Cytogenetic location: 2q11.2.
Variant type: single nucleotide variant.
Coding change: c.450G>A on transcript NM_001298.3 (MANE Select); coding-DNA position 450, G replaced by A.
Protein change: p.Glu150=; no amino-acid change (glutamic acid 150 retained).
Molecular consequence: synonymous variant.
Genome position (GRCh38, 1-based): chr2:98,389,658, G>A. VCF-style: chr2-98389658-G-A. GRCh37 (hg19) VCF-style: chr2-99006121-G-A.
Other names: c.396G>A, p.Arg132= (NM_001079878.2).
Identifiers: ClinVar variation 2720020 (VCV002720020.3), dbSNP rs2467010206, ClinGen allele CA427567046.